The following is an entry in ClinVar:

ClinVar aggregate classification (germline): Uncertain significance (1 of 4 stars; one submission).

Submission:

GeneDx
Classification: Uncertain significance. Last evaluated: 2023-03-29. Review status: criteria provided, single submitter. Criteria: GeneDx Variant Classification Process June 2021. Collection method: clinical testing. Allele origin: germline. Affected: yes.
Comment: Not observed at significant frequency in large population cohorts (gnomAD); Frameshift variant predicted to result in protein truncation or nonsense mediated decay in a gene or region of a gene for which loss of function is not a well-established mechanism of disease; Has not been previously published as pathogenic or benign to our knowledge

NM_001009999.3(KDM1A):c.1917_1920del (p.Tyr640fs)

Gene: KDM1A (lysine demethylase 1A; plus strand). Cytogenetic location: 1p36.12.
Variant type: Microsatellite.
Coding change: c.1917_1920del on transcript NM_001009999.3 (MANE Select); coding-DNA positions 1917 to 1920, 4 bases deleted (TTAT; older notation c.1917_1920delTTAT).
Protein change: p.Tyr640fs; shifts the reading frame from tyrosine 640.
Molecular consequence: frameshift variant.
Genome position (GRCh38, 1-based): chr1:23,079,039-23,079,042, TTAT deleted; deleting any 4 consecutive bases within chr1:23,079,034-23,079,042 gives the same sequence; the c. name uses the placement nearest the transcript's 3' end. VCF-style (leftmost placement, unchanged base first): chr1-23079033-CTTTA-C. GRCh37 (hg19) VCF-style: chr1-23405526-CTTTA-C.
Other names: c.1863_1866del, p.Tyr622fs (NM_001363654.2); c.1923_1926del, p.Tyr642fs (NM_001410762.1); c.1845_1848del, p.Tyr616fs (NM_001410763.1, NM_015013.4); short protein forms Y616fs, Y622fs, Y640fs, Y642fs.
Identifiers: ClinVar variation 2581930 (VCV002581930.1), dbSNP rs2522792546, ClinGen allele CA2582341898.